The following is an entry in ClinVar:

ClinVar aggregate classification (germline): Uncertain significance (1 of 4 stars; one submission).

gnomAD v4.1: 3 of 1,603,782 alleles (0.00019%); highest among the groups gnomAD compares: African/African-American, 0.0013%; no homozygotes.

Submission:

Labcorp Genetics (formerly Invitae), Labcorp
Classification: Uncertain significance. Last evaluated: 2024-11-05. Review status: criteria provided, single submitter. Criteria: Invitae Variant Classification Sherloc (09022015). Collection method: clinical testing. Allele origin: germline.
Comment: This sequence change replaces alanine, which is neutral and non-polar, with serine, which is neutral and polar, at codon 607 of the ITSN2 protein (p.Ala607Ser). This variant is present in population databases (rs753671030, gnomAD 0.007%). This variant has not been reported in the literature in individuals affected with ITSN2-related conditions. Experimental studies and prediction algorithms are not available or were not evaluated, and the functional significance of this variant is currently unknown. In summary, the available evidence is currently insufficient to determine the role of this variant in disease. Therefore, it has been classified as a Variant of Uncertain Significance.

NM_006277.3(ITSN2):c.1819G>T (p.Ala607Ser)

Gene: ITSN2 (intersectin 2; minus strand). Cytogenetic location: 2p23.3.
Variant type: single nucleotide variant.
Coding change: c.1819G>T on transcript NM_006277.3 (MANE Select); coding-DNA position 1819, G replaced by T.
Protein change: p.Ala607Ser; replaces alanine 607 with serine.
Molecular consequence: missense variant.
Genome position (GRCh38, 1-based): chr2:24,286,256, C>A on the plus strand (G>T on the coding strand, the complement: ITSN2 is on the minus strand). VCF-style: chr2-24286256-C-A. GRCh37 (hg19) VCF-style: chr2-24509125-C-A.
Other names: c.1777G>T, p.Ala593Ser (NM_001348181.2, NM_001348184.2); c.1819G>T, p.Ala607Ser (NM_001348182.2, NM_001348183.2, NM_001348185.2 and 3 more transcripts); short protein forms A593S, A607S.
Identifiers: ClinVar variation 3653937 (VCV003653937.2).